The following is an entry in ClinVar:

NM_004006.3(DMD):c.1835A>G (p.Lys612Arg)

Gene: DMD (dystrophin; minus strand). Cytogenetic location: Xp21.1.
Variant type: single nucleotide variant.
Coding change: c.1835A>G on transcript NM_004006.3 (MANE Select); coding-DNA position 1835, A replaced by G.
Protein change: p.Lys612Arg; replaces lysine 612 with arginine.
Molecular consequence: missense variant.
Genome position (GRCh38, 1-based): chrX:32,565,859, T>C on the plus strand (A>G on the coding strand, the complement: DMD is on the minus strand). VCF-style: chrX-32565859-T-C. GRCh37 (hg19) VCF-style: chrX-32583976-T-C.
Other names: c.1811A>G, p.Lys604Arg (NM_000109.4); c.1823A>G, p.Lys608Arg (NM_004009.3); c.1466A>G, p.Lys489Arg (NM_004010.3); short protein forms K489R, K608R, K604R, K612R.
Identifiers: ClinVar variation 2918109 (VCV002918109.3), dbSNP rs1038621074, ClinGen allele CA412672968.

ClinVar aggregate classification (germline): Uncertain significance (1 of 4 stars; one submission).

Conditions:
Duchenne muscular dystrophy (DMD). Also called: MUSCULAR DYSTROPHY, PSEUDOHYPERTROPHIC PROGRESSIVE, DUCHENNE TYPE; Duchenne Muscular Dystrophy (DMD). Identifiers: Orphanet 98896, MedGen C0013264, MONDO:0010679, OMIM 310200.

Submission:

Labcorp Genetics (formerly Invitae), Labcorp
Classification: Uncertain significance for Duchenne muscular dystrophy. Last evaluated: 2022-12-12. Review status: criteria provided, single submitter. Criteria: Invitae Variant Classification Sherloc (09022015). Collection method: clinical testing. Allele origin: germline.
Comment: In summary, the available evidence is currently insufficient to determine the role of this variant in disease. Therefore, it has been classified as a Variant of Uncertain Significance. Advanced modeling of protein sequence and biophysical properties (such as structural, functional, and spatial information, amino acid conservation, physicochemical variation, residue mobility, and thermodynamic stability) performed at Invitae indicates that this missense variant is not expected to disrupt DMD protein function. This variant has not been reported in the literature in individuals affected with DMD-related conditions. This variant is not present in population databases (gnomAD no frequency). This sequence change replaces lysine, which is basic and polar, with arginine, which is basic and polar, at codon 612 of the DMD protein (p.Lys612Arg).